The following is an entry in ClinVar:

ClinVar aggregate classification (germline): Conflicting classifications of pathogenicity. Review status: criteria provided, conflicting classifications (1 of 4 stars). 5 submissions from 5 submitters: Uncertain significance (1); Likely benign (4). Last evaluated 2025-04-01.

Conditions:
Early-infantile DEE. Also called: Ohtahara syndrome; Early infantile epileptic encephalopathy with suppression bursts; Early infantile epileptic encephalopathy. Identifiers: Orphanet 1934, MedGen C0393706, MONDO:0800491.
Developmental and epileptic encephalopathy, 5 (DEE5). Identifiers: Orphanet 3451, MedGen C3150731, MONDO:0013277, OMIM 613477.

Allele frequency attached by ClinVar (database versions not stated): ExAC 0.00001; gnomAD 0.00001 and 0.00002; gnomAD exomes 0.00001; TOPMed 0.00002.

Submissions (5):

CeGaT Center for Human Genetics Tuebingen
Classification: Likely benign. Last evaluated: 2025-04-01. Review status: criteria provided, single submitter. Criteria: CeGaT Center For Human Genetics Tuebingen Variant Classification Criteria Version 2. Collection method: clinical testing. Allele origin: germline. Affected: yes. Observed: 2 variant alleles.
Comment: SPTAN1: BP4, BP7

Labcorp Genetics (formerly Invitae), Labcorp
Classification: Likely benign for Early-infantile DEE. Last evaluated: 2025-03-19. Review status: criteria provided, single submitter. Criteria: Invitae Variant Classification Sherloc (09022015). Collection method: clinical testing. Allele origin: germline.

Genome-Nilou Lab
Classification: Likely benign for Developmental and epileptic encephalopathy, 5. Last evaluated: 2021-07-15. Review status: criteria provided, single submitter. Criteria: ACMG Guidelines, 2015. Collection method: clinical testing. Allele origin: germline. Affected: no.

Blueprint Genetics
Classification: Likely benign. Last evaluated: 2021-06-11. Review status: criteria provided, single submitter. Criteria: ACMG Guidelines, 2015. Collection method: clinical testing. Allele origin: germline.

Genetic Services Laboratory, University of Chicago
Classification: Uncertain significance for Epileptic encephalopathy, early infantile, 5. Last evaluated: 2013-04-05. Review status: criteria provided, single submitter. Criteria: ACMG Guidelines, 2007. Collection method: clinical testing. Allele origin: germline. Inheritance: Autosomal dominant inheritance.

NM_001130438.3(SPTAN1):c.1389C>T (p.Tyr463=)

Gene: SPTAN1 (spectrin alpha, non-erythrocytic 1; plus strand). Cytogenetic location: 9q34.11.
Variant type: single nucleotide variant.
Coding change: c.1389C>T on transcript NM_001130438.3 (MANE Select); coding-DNA position 1389, C replaced by T.
Protein change: p.Tyr463=; no amino-acid change (tyrosine 463 retained).
Molecular consequence: synonymous variant.
Genome position (GRCh38, 1-based): chr9:128,580,987, C>T. VCF-style: chr9-128580987-C-T. GRCh37 (hg19) VCF-style: chr9-131343266-C-T.
Other names: c.1389C>T, p.Tyr463= (NM_001195532.2, NM_001363759.2, NM_001363765.2 and 1 more transcripts).
Identifiers: ClinVar variation 159994 (VCV000159994.43), dbSNP rs587784431, ClinGen allele CA173537.
Genomic context (GRCh38, chr9:128,580,987, plus strand): 5'-CGTCCTTTCCGAGGAGAGAGCGGCGCTGCTGGAGCTGTGGGAGCTGCGCAGGCAGCAGTA[C>T]GAGCAGTGCATGGACCTGCAGCTCTTCTACCGGGACACTGAGCAGGTGGACAACTGGATG-3'
Protein context (NP_001123910.1, residues 453-473): LELWELRRQQ[Tyr463=]EQCMDLQLFY